The following is an entry in ClinVar:

NM_000234.3(LIG1):c.2321G>A (p.Arg774Gln)

Gene: LIG1 (DNA ligase 1; minus strand). Cytogenetic location: 19q13.33.
Variant type: single nucleotide variant.
Coding change: c.2321G>A on transcript NM_000234.3 (MANE Select); coding-DNA position 2321, G replaced by A.
Protein change: p.Arg774Gln; replaces arginine 774 with glutamine.
Molecular consequence: missense variant. On other transcripts: non-coding transcript variant (6).
Genome position (GRCh38, 1-based): chr19:48,121,234, C>T on the plus strand (G>A on the coding strand, the complement: LIG1 is on the minus strand). VCF-style: chr19-48121234-C-T. GRCh37 (hg19) VCF-style: chr19-48624491-C-T.
Other names: c.2321G>A (NM_000234.1); c.2228G>A, p.Arg743Gln (NM_001289063.2); c.2117G>A, p.Arg706Gln (NM_001289064.2); c.2318G>A, p.Arg773Gln (NM_001320970.2); c.2231G>A, p.Arg744Gln (NM_001320971.2); short protein forms R706Q, R744Q, R773Q, R743Q, R774Q.
Identifiers: ClinVar variation 1475810 (VCV001475810.5), dbSNP rs201362120, ClinGen allele CA9546460.

ClinVar aggregate classification (germline): Uncertain significance. Review status: criteria provided, multiple submitters, no conflicts (2 of 4 stars). 3 submissions from 3 submitters: Uncertain significance (3). Last evaluated 2024-12-07.

Allele frequency attached by ClinVar (database versions not stated): ExAC 0.00010; gnomAD exomes 0.00010 and 0.00015; TOPMed 0.00013; ESP Exome Variant Server 0.00015; gnomAD 0.00015 and 0.00016.
gnomAD v4.1: 233 of 1,613,864 alleles (0.014%); highest among the groups gnomAD compares: Non-Finnish European, 0.018%; no homozygotes.

Submissions (3):

Ambry Genetics
Classification: Uncertain significance. Last evaluated: 2024-12-07. Review status: criteria provided, single submitter. Criteria: Ambry Variant Classification Scheme 2023. Collection method: clinical testing. Allele origin: germline.

Blueprint Genetics
Classification: Uncertain significance. Last evaluated: 2024-09-20. Review status: criteria provided, single submitter. Criteria: ACMG Guidelines, 2015. Collection method: clinical testing. Allele origin: germline.

Labcorp Genetics (formerly Invitae), Labcorp
Classification: Uncertain significance. Last evaluated: 2022-10-28. Review status: criteria provided, single submitter. Criteria: Invitae Variant Classification Sherloc (09022015). Collection method: clinical testing. Allele origin: germline.
Comment: This sequence change replaces arginine, which is basic and polar, with glutamine, which is neutral and polar, at codon 774 of the LIG1 protein (p.Arg774Gln). This variant is present in population databases (rs201362120, gnomAD 0.02%). This variant has not been reported in the literature in individuals affected with LIG1-related conditions. ClinVar contains an entry for this variant (Variation ID: 1475810). Algorithms developed to predict the effect of missense changes on protein structure and function (SIFT, PolyPhen-2, Align-GVGD) all suggest that this variant is likely to be tolerated. In summary, the available evidence is currently insufficient to determine the role of this variant in disease. Therefore, it has been classified as a Variant of Uncertain Significance.